The following is an entry in ClinVar:

ClinVar aggregate classification (germline): Uncertain significance (1 of 4 stars; one submission).

Conditions:
Achondrogenesis, type IB (ACG1B). Also called: Achondrogenesis Type 1B. Identifiers: Orphanet 932, Orphanet 93298, MedGen C0265274, MONDO:0010966, OMIM 600972.
Diastrophic dysplasia (DTD). Also called: Diastrophic dwarfism. Identifiers: Orphanet 628, MedGen C0220726, MONDO:0009107, OMIM 222600.
Multiple epiphyseal dysplasia type 4 (EDM4). Also called: MULTIPLE EPIPHYSEAL DYSPLASIA WITH BILAYERED PATELLAE; MULTIPLE EPIPHYSEAL DYSPLASIA WITH CLUBFOOT; MULTIPLE EPIPHYSEAL DYSPLASIA, AUTOSOMAL RECESSIVE; SLC26A2-Related Multiple Epiphyseal Dysplasia; Multiple Epiphyseal Dysplasia, Recessive. Identifiers: Orphanet 93307, MedGen C1847593, MONDO:0009189, OMIM 226900.
Atelosteogenesis type II (AO2). Also called: Neonatal osseous dysplasia 1; NEONATAL OSSEOUS DYSPLASIA I; SLC26A2-Related Atelosteogenesis. Identifiers: Orphanet 56304, MedGen C1850554, MONDO:0009727, OMIM 256050.

Allele frequency attached by ClinVar (database versions not stated): gnomAD exomes below 0.00001.

Submission:

Labcorp Genetics (formerly Invitae), Labcorp
Classification: Uncertain significance for Atelosteogenesis type II; Multiple epiphyseal dysplasia type 4; Achondrogenesis, type IB; Diastrophic dysplasia. Last evaluated: 2023-11-27. Review status: criteria provided, single submitter. Criteria: Invitae Variant Classification Sherloc (09022015). Collection method: clinical testing. Allele origin: germline.
Comment: This sequence change replaces valine, which is neutral and non-polar, with methionine, which is neutral and non-polar, at codon 690 of the SLC26A2 protein (p.Val690Met). This variant is not present in population databases (gnomAD no frequency). This variant has not been reported in the literature in individuals affected with SLC26A2-related conditions. ClinVar contains an entry for this variant (Variation ID: 1023097). Advanced modeling of protein sequence and biophysical properties (such as structural, functional, and spatial information, amino acid conservation, physicochemical variation, residue mobility, and thermodynamic stability) performed at Invitae indicates that this missense variant is not expected to disrupt SLC26A2 protein function with a negative predictive value of 80%. In summary, the available evidence is currently insufficient to determine the role of this variant in disease. Therefore, it has been classified as a Variant of Uncertain Significance.

NM_000112.4(SLC26A2):c.2068G>A (p.Val690Met)

Gene: SLC26A2 (solute carrier family 26 member 2; plus strand). Cytogenetic location: 5q32.
Variant type: single nucleotide variant.
Coding change: c.2068G>A on transcript NM_000112.4 (MANE Select); coding-DNA position 2068, G replaced by A.
Protein change: p.Val690Met; replaces valine 690 with methionine.
Molecular consequence: missense variant.
Genome position (GRCh38, 1-based): chr5:149,981,661, G>A. VCF-style: chr5-149981661-G-A. GRCh37 (hg19) VCF-style: chr5-149361224-G-A.
Other names: short protein forms V690M.
Identifiers: ClinVar variation 1023097 (VCV001023097.9), dbSNP rs746291695, ClinGen allele CA361709735.
Genomic context (GRCh38, chr5:149,981,661, plus strand): 5'-GTTCGCAGAGATTATGAAGCCATTGGAATCCAGGTTCTGCTGGCTCAGTGCAATCCCACT[G>A]TGAGGGATTCCCTAACCAACGGAGAATATTGCAAAAAGGAAGAAGAAAACCTTCTCTTCT-3'
Protein context (NP_000103.2, residues 680-700): QVLLAQCNPT[Val690Met]RDSLTNGEYC